The following is an entry in ClinVar:

ClinVar aggregate classification (germline): Pathogenic (1 of 4 stars; one submission).

Submission:

Labcorp Genetics (formerly Invitae), Labcorp
Classification: Pathogenic. Last evaluated: 2021-12-29. Review status: criteria provided, single submitter. Criteria: Invitae Variant Classification Sherloc (09022015). Collection method: clinical testing. Allele origin: germline.
Comment: For these reasons, this variant has been classified as Pathogenic. This variant has not been reported in the literature in individuals affected with ARMC9-related conditions. This variant is a gross deletion of the genomic region encompassing exon(s) 3-6 of the ARMC9 gene. This is also known as a deletion of exon(s) 4-7 when the first non-coding exon is represented as exon 1. This deletion is out-of-frame, and is expected to create a premature termination codon and result in an absent or disrupted protein product. Loss-of-function variants in ARMC9 are known to be pathogenic (PMID: 28625504).

Literature cited by the submitters: PubMed 28625504.

NC_000002.11:g.(?_232079524)_(232091531_?)del

Gene: ARMC9 (armadillo repeat containing 9; plus strand). Cytogenetic location: 2q37.1.
Variant type: Deletion.
Identifiers: ClinVar variation 2424080 (VCV002424080.4).